The following is an entry in ClinVar:

ClinVar aggregate classification (germline): Likely benign. Review status: criteria provided, multiple submitters, no conflicts (2 of 4 stars). 2 submissions from 2 submitters: Likely benign (2). Last evaluated 2026-02-02.

Conditions:
Carnitine palmitoyl transferase 1A deficiency. Also called: Carnitine palmitoyltransferase 1A deficiency; CPT deficiency, hepatic, type IA; CPT I DEFICIENCY; CPT DEFICIENCY, HEPATIC, TYPE I; Carnitine palmitoyltransferase type I deficiency. Identifiers: Orphanet 156, MedGen C1829703, MONDO:0009705, OMIM 255120.

Allele frequency attached by ClinVar (database versions not stated): gnomAD 0.00005; gnomAD exomes 0.00005 and 0.00006; TOPMed 0.00005; ExAC 0.00011.

Submissions (2):

Labcorp Genetics (formerly Invitae), Labcorp
Classification: Likely benign for Carnitine palmitoyl transferase 1A deficiency. Last evaluated: 2026-02-02. Review status: criteria provided, single submitter. Criteria: Invitae Variant Classification Sherloc (09022015). Collection method: clinical testing. Allele origin: germline.

GeneDx
Classification: Likely benign. Last evaluated: 2016-05-26. Review status: criteria provided, single submitter. Criteria: GeneDx Variant Classification (06012015). Collection method: clinical testing. Allele origin: germline. Affected: yes.
Comment: This variant is considered likely benign or benign based on one or more of the following criteria: it is a conservative change, it occurs at a poorly conserved position in the protein, it is predicted to be benign by multiple in silico algorithms, and/or has population frequency not consistent with disease.

NM_001876.4(CPT1A):c.2142+9G>A

Gene: CPT1A (carnitine palmitoyltransferase 1A; minus strand). Cytogenetic location: 11q13.3.
Variant type: single nucleotide variant.
Coding change: c.2142+9G>A on transcript NM_001876.4 (MANE Select); 9 bases into the intron after coding-DNA position 2142, G replaced by A.
Molecular consequence: intron variant.
Genome position (GRCh38, 1-based): chr11:68,760,216, C>T on the plus strand (G>A on the coding strand, the complement: CPT1A is on the minus strand). VCF-style: chr11-68760216-C-T. GRCh37 (hg19) VCF-style: chr11-68527684-C-T.
Other names: c.2142+9G>A (NM_001031847.3).
Identifiers: ClinVar variation 386614 (VCV000386614.11), dbSNP rs753764564, ClinGen allele CA6152084.